The following is an entry in ClinVar:

ClinVar aggregate classification (germline): Likely benign (1 of 4 stars; one submission).

Submission:

Women's Health and Genetics/Laboratory Corporation of America, LabCorp
Classification: Likely benign. Last evaluated: 2026-06-04. Review status: criteria provided, single submitter. Criteria: LabCorp Variant Classification Summary - May 2015. Collection method: clinical testing. Allele origin: germline.
Comment: Variant summary: PRKG2 c.2127-37_2127-14dup24 alters a nucleotide located at a position not widely known to affect splicing. Consensus agreement among computation tools predict no significant impact on normal splicing. However, these predictions have yet to be confirmed by functional studies. The variant was absent in 191892 control chromosomes. The available data on variant occurrences in the general population are insufficient to allow any conclusion about variant significance. To our knowledge, no occurrence of c.2127-37_2127-14dup24 in individuals affected with PRKG2-related conditions and no experimental evidence demonstrating its impact on protein function have been reported. No submitters have cited clinical-significance assessments for this variant to ClinVar. Based on the evidence outlined above, the variant was classified as likely benign.

NM_006259.3(PRKG2):c.2127-61CCTT[18]

Gene: PRKG2 (protein kinase cGMP-dependent 2; minus strand). Cytogenetic location: 4q21.21.
Variant type: Microsatellite.
Coding change: c.2127-61CCTT[18] on transcript NM_006259.3 (MANE Select); 18 copies in a row of the 4-base unit CCTT starting at c.2127-61; the reference has 12 copies in a row; six copies, 24 bases duplicated.
Molecular consequence: intron variant.
Genome position (GRCh38, 1-based): chr4:81,092,466-81,092,489, AAGGAAGGAAGGAAGGAAGGAAGG duplicated on the plus strand (CCTTCCTTCCTTCCTTCCTTCCTT on the coding strand, the reverse complement: PRKG2 is on the minus strand); duplicating any 24 consecutive bases within chr4:81,092,466-81,092,513 gives the same sequence; the position shown is the placement nearest the transcript's 3' end. VCF-style (leftmost placement, unchanged base first): chr4-81092465-A-AAAGGAAGGAAGGAAGGAAGGAAGG. GRCh37 (hg19) VCF-style: chr4-82013619-A-AAAGGAAGGAAGGAAGGAAGGAAGG.
Other names: c.780-61CCTT[18] (NM_001282482.1); c.687-61CCTT[18] (NM_001282483.1); c.867-61CCTT[18] (NM_001282481.1, NM_001282480.1); c.2040-61CCTT[18] (NM_001282485.2); c.2127-61CCTT[18] (NM_001363401.2); c.2127-37_2127-14dup24 (NM_006259.3).
Identifiers: ClinVar variation 4887515 (VCV004887515.1).
Genomic context (GRCh38, chr4:81,092,465, plus strand): 5'-GGAAGGCTCCGTGCTTTCAGTCCCTCCCAATTAAAACCATTTAACCACCTGAGAAATGAG[A>AAAGGAAGGAAGGAAGGAAGGAAGG]AAGGAAGGAAGGAAGGAAGGAAGGAAGGAAGGAAGGAAGGAAGGAAGGGAGAAAGAAAGA-3'